The following is an entry in ClinVar:

ClinVar aggregate classification (germline): Uncertain significance (1 of 4 stars; one submission).

Conditions:
Candidiasis, familial, 9 (CANDF9). Identifiers: Orphanet 1334, MedGen C4225324, MONDO:0014642, OMIM 616445.

Submission:

Labcorp Genetics (formerly Invitae), Labcorp
Classification: Uncertain significance for Candidiasis, familial, 9. Last evaluated: 2022-11-01. Review status: criteria provided, single submitter. Criteria: Invitae Variant Classification Sherloc (09022015). Collection method: clinical testing. Allele origin: germline.
Comment: In summary, the available evidence is currently insufficient to determine the role of this variant in disease. Therefore, it has been classified as a Variant of Uncertain Significance. Algorithms developed to predict the effect of sequence changes on RNA splicing suggest that this variant may disrupt the consensus splice site. Algorithms developed to predict the effect of missense changes on protein structure and function are either unavailable or do not agree on the potential impact of this missense change (SIFT: "Deleterious"; PolyPhen-2: "Possibly Damaging"; Align-GVGD: "Class C0"). ClinVar contains an entry for this variant (Variation ID: 961024). This variant has not been reported in the literature in individuals affected with IL17RC-related conditions. This variant is not present in population databases (gnomAD no frequency). This sequence change replaces valine, which is neutral and non-polar, with methionine, which is neutral and non-polar, at codon 36 of the IL17RC protein (p.Val36Met).

NM_153460.4(IL17RC):c.105+1G>A

Gene: IL17RC (interleukin 17 receptor C; plus strand). Cytogenetic location: 3p25.3.
Variant type: single nucleotide variant.
Coding change: c.105+1G>A on transcript NM_153460.4 (MANE Select); the canonical splice donor site of the intron after coding-DNA position 105, G replaced by A.
Molecular consequence: splice donor variant. On other transcripts: missense variant (1).
Genome position (GRCh38, 1-based): chr3:9,917,421, G>A. VCF-style: chr3-9917421-G-A. GRCh37 (hg19) VCF-style: chr3-9959105-G-A.
Other names: c.106G>A, p.Val36Met (NM_153461.4); c.105+1G>A (NM_001203263.2, NM_001203264.2, NM_001367278.1 and 5 more transcripts); short protein forms V36M.
Identifiers: ClinVar variation 961024 (VCV000961024.7), dbSNP rs748422918, ClinGen allele CA351753284.